The following is an entry in ClinVar:

NM_012082.4(ZFPM2):c.1838C>T (p.Ser613Phe)

Genes: ZFPM2 (zinc finger protein, FOG family member 2; plus strand), ZFPM2-AS1 (ZFPM2 antisense RNA 1; minus strand). Cytogenetic location: 8q23.1.
Variant type: single nucleotide variant.
Coding change: c.1838C>T on transcript NM_012082.4 (MANE Select); coding-DNA position 1838, C replaced by T.
Protein change: p.Ser613Phe; replaces serine 613 with phenylalanine.
Molecular consequence: missense variant.
Genome position (GRCh38, 1-based): chr8:105,801,920, C>T. VCF-style: chr8-105801920-C-T. GRCh37 (hg19) VCF-style: chr8-106814148-C-T.
Other names: c.1679C>T, p.Ser560Phe (NM_001362836.2); c.1442C>T, p.Ser481Phe (NM_001362837.2); short protein forms S481F, S560F, S613F.
Identifiers: ClinVar variation 2506850 (VCV002506850.1), dbSNP rs747482643, ClinGen allele CA371952526.
Genomic context (GRCh38, chr8:105,801,920, plus strand): 5'-AAGCTTTGAGTCCCAACACTGGCCAAACCTCCATAAACCTTCTCAACCCAGCTGCTCATT[C>T]TGCTGATCCTGAGAATCCACTTCTTCAAACATCTTGCATCAATTCTTCCACTGTCTTAGA-3'
Protein context (NP_036214.2, residues 603-623): SINLLNPAAH[Ser613Phe]ADPENPLLQT

ClinVar aggregate classification (germline): Uncertain significance (1 of 4 stars; one submission).

gnomAD v4.1: 1 of 1,613,966 alleles (0.000062%); highest among the groups gnomAD compares: Non-Finnish European, 0.000085%; no homozygotes.

Submission:

GeneDx
Classification: Uncertain significance. Last evaluated: 2023-06-23. Review status: criteria provided, single submitter. Criteria: GeneDx Variant Classification Process June 2021. Collection method: clinical testing. Allele origin: germline. Affected: yes.
Comment: Not observed at significant frequency in large population cohorts (gnomAD); In silico analysis supports that this missense variant does not alter protein structure/function; Has not been previously published as pathogenic or benign to our knowledge